The following is an entry in ClinVar:

NM_198578.4(LRRK2):c.7570A>G (p.Thr2524Ala)

Gene: LRRK2 (leucine rich repeat kinase 2; plus strand). Cytogenetic location: 12q12.
Variant type: single nucleotide variant.
Coding change: c.7570A>G on transcript NM_198578.4 (MANE Select); coding-DNA position 7570, A replaced by G.
Protein change: p.Thr2524Ala; replaces threonine 2524 with alanine.
Molecular consequence: missense variant.
Genome position (GRCh38, 1-based): chr12:40,367,751, A>G. VCF-style: chr12-40367751-A-G. GRCh37 (hg19) VCF-style: chr12-40761553-A-G.
Other names: short protein forms T2524A.
Identifiers: ClinVar variation 1043048 (VCV001043048.8), dbSNP rs748739318, ClinGen allele CA6514980.
Genomic context (GRCh38, chr12:40,367,751, plus strand): 5'-GTGCAAAATTTAGAAAAACACATTGAAGTGAGAAAAGAATTAGCTGAAAAAATGAGACGA[A>G]CATCTGTTGAGTAAGAGAGAAATAGGAATTGTCTTTGGATAGGAAAATTATTCTCTCCTC-3'
Protein context (NP_940980.4, residues 2514-2527): RKELAEKMRR[Thr2524Ala]SVE

ClinVar aggregate classification (germline): Uncertain significance (1 of 4 stars; one submission).

Conditions:
Autosomal dominant Parkinson disease 8. Also called: LRRK2-Related Parkinson Disease; Parkinson disease 8; Parkinson disease 8, susceptibility to. Identifiers: Orphanet 411602, MedGen C1846862, MONDO:0011764, OMIM 607060.

Allele frequency attached by ClinVar (database versions not stated): ExAC 0.00002; TOPMed 0.00002; gnomAD 0.00003; gnomAD exomes 0.00003.
gnomAD v4.1: 17 of 1,605,438 alleles (0.0011%); highest among the groups gnomAD compares: East Asian, 0.031%; no homozygotes.

Submission:

Labcorp Genetics (formerly Invitae), Labcorp
Classification: Uncertain significance for Autosomal dominant Parkinson disease 8. Last evaluated: 2020-02-05. Review status: criteria provided, single submitter. Criteria: Invitae Variant Classification Sherloc (09022015). Collection method: clinical testing. Allele origin: germline.
Comment: In summary, the available evidence is currently insufficient to determine the role of this variant in disease. Therefore, it has been classified as a Variant of Uncertain Significance. Algorithms developed to predict the effect of missense changes on protein structure and function (SIFT, PolyPhen-2, Align-GVGD) all suggest that this variant is likely to be tolerated, but these predictions have not been confirmed by published functional studies and their clinical significance is uncertain. This variant has been observed in individual(s) with early-onset Parkinson's disease, as well as unaffected individual(s) (PMID: 24565865). This variant is present in population databases (rs748739318, ExAC 0.02%). This sequence change replaces threonine with alanine at codon 2524 of the LRRK2 protein (p.Thr2524Ala). The threonine residue is weakly conserved and there is a small physicochemical difference between threonine and alanine.

Literature cited by the submitters: PubMed 24565865.